The following is an entry in ClinVar:

NM_001128225.3(SLC39A13):c.109C>T (p.Leu37Phe)

Gene: SLC39A13 (solute carrier family 39 member 13; plus strand). Cytogenetic location: 11p11.2.
Variant type: single nucleotide variant.
Coding change: c.109C>T on transcript NM_001128225.3 (MANE Select); coding-DNA position 109, C replaced by T.
Protein change: p.Leu37Phe; replaces leucine 37 with phenylalanine.
Molecular consequence: missense variant. On other transcripts: non-coding transcript variant (1).
Genome position (GRCh38, 1-based): chr11:47,410,203, C>T. VCF-style: chr11-47410203-C-T. GRCh37 (hg19) VCF-style: chr11-47431754-C-T.
Other names: c.109C>T, p.Leu37Phe (NM_001330245.2, NM_152264.5); short protein forms L37F.
Identifiers: ClinVar variation 2026082 (VCV002026082.1), dbSNP rs755969049, ClinGen allele CA5975663.

ClinVar aggregate classification (germline): Uncertain significance (1 of 4 stars; one submission).

Conditions:
Ehlers-Danlos syndrome, spondylodysplastic type, 3. Also called: Ehlers-Danlos syndrome, spondylocheirodysplastic type. Identifiers: Orphanet 157965, MedGen C2676510, MONDO:0012873, OMIM 612350.

Allele frequency attached by ClinVar (database versions not stated): gnomAD exomes below 0.00001; ExAC 0.00001; gnomAD 0.00001.

Submission:

Labcorp Genetics (formerly Invitae), Labcorp
Classification: Uncertain significance for Ehlers-Danlos syndrome, spondylodysplastic type, 3. Last evaluated: 2022-06-09. Review status: criteria provided, single submitter. Criteria: Invitae Variant Classification Sherloc (09022015). Collection method: clinical testing. Allele origin: germline.
Comment: This sequence change replaces leucine, which is neutral and non-polar, with phenylalanine, which is neutral and non-polar, at codon 37 of the SLC39A13 protein (p.Leu37Phe). This variant is present in population databases (rs755969049, gnomAD 0.002%). This variant has not been reported in the literature in individuals affected with SLC39A13-related conditions. Algorithms developed to predict the effect of missense changes on protein structure and function output the following: SIFT: "Tolerated"; PolyPhen-2: "Benign"; Align-GVGD: "Class C0". The phenylalanine amino acid residue is found in multiple mammalian species, which suggests that this missense change does not adversely affect protein function. In summary, the available evidence is currently insufficient to determine the role of this variant in disease. Therefore, it has been classified as a Variant of Uncertain Significance.